The following is an entry in ClinVar:

ClinVar aggregate classification (germline): Pathogenic. Review status: criteria provided, multiple submitters, no conflicts (2 of 4 stars). 13 submissions from 13 submitters: Pathogenic (13). Last evaluated 2025-12-10.

Conditions:
GALT-related disorder. Also called: GALT-related condition.
Inborn genetic diseases. Identifiers: MedGen C0950123, MeSH D030342.
Galactosemia. Also called: Galactose intolerance. Identifiers: Orphanet 352, MedGen C0016952, MONDO:0018116, HP:0004919. Disease mechanism: loss of function.
Deficiency of UDPglucose-hexose-1-phosphate uridylyltransferase. Also called: GALACTOSE-1-PHOSPHATE URIDYLYLTRANSFERASE DEFICIENCY; Transferase Deficiency Galactosemia; GALACTOSEMIA I; GALT deficiency; Galactosemia, classic. Identifiers: Orphanet 352, Orphanet 79239, MedGen C0268151, MONDO:0009258, OMIM 230400.

Allele frequency attached by ClinVar (database versions not stated): gnomAD exomes 0.00003; TOPMed 0.00002; ExAC 0.00003; gnomAD 0.00003.
gnomAD v4.1: 47 of 1,614,176 alleles (0.0029%); highest among the groups gnomAD compares: South Asian, 0.018%; no homozygotes.

Submissions (13):

Natera, Inc.
Classification: Pathogenic for Galactosemia. Last evaluated: 2025-12-10. Review status: criteria provided, single submitter. Criteria: Natera Variant Classification Schema (03/2026). Collection method: clinical testing. Allele origin: germline.
Comment: The c.442C>T variant in GALT is a missense variant predicted to cause substitution of arginine to tryptophan at amino acid 148. This variant is rare in the general population with a frequency below the threshold expected for the associated phenotype(s). This variant has been observed in one or more individuals affected with the associated recessive disease, as either homozygous or compound heterozygous with a second variant (PMID: 25268296, 22944367). Computational prediction algorithms indicate this variant is likely to affect gene or protein function. Given the available evidence, this variant is classified as Pathogenic.

GeneDx
Classification: Pathogenic. Last evaluated: 2025-08-28. Review status: criteria provided, single submitter. Criteria: GeneDx Variant Classification Process June 2021. Collection method: clinical testing. Allele origin: germline. Affected: yes.
Comment: Published functional studies demonstrate a damaging effect on enzyme activity (PMID: 1373122); In silico analysis supports that this missense variant has a deleterious effect on protein structure/function; This variant is associated with the following publications: (PMID: 10960497, 20008339, 15841485, 10408771, 14518827, 22944367, 1373122)

Revvity Omics, Revvity
Classification: Pathogenic for Deficiency of UDPglucose-hexose-1-phosphate uridylyltransferase. Last evaluated: 2025-06-18. Review status: criteria provided, single submitter. Criteria: ACMG Guidelines, 2015. Collection method: clinical testing. Allele origin: germline.

Ambry Genetics
Classification: Pathogenic for Inborn genetic diseases. Last evaluated: 2025-05-31. Review status: criteria provided, single submitter. Criteria: Ambry Variant Classification Scheme 2023. Collection method: clinical testing. Allele origin: germline.
Comment: The c.442C>T (p.R148W) alteration is located in exon 5 (coding exon 5) of the GALT gene. This alteration results from a C to T substitution at nucleotide position 442, causing the arginine (R) at amino acid position 148 to be replaced by a tryptophan (W). Based on data from gnomAD, the T allele has an overall frequency of 0.003% (8/282890) total alleles studied. The highest observed frequency was 0.016% (5/30616) of South Asian alleles. This variant has been identified in the homozygous state and/or in conjunction with other GALT variants in individuals with features consistent with galactosemia (Reichardt, 1992; Schadewaldt, 2003; Boutron, 2012; Almenabawy, 2024). This amino acid position is highly conserved in available vertebrate species. In an assay testing GALT function, this variant showed a functionally abnormal result (Reichardt, 1992). This alteration is predicted to be deleterious by in silico analysis. Based on the available evidence, this alteration is classified as pathogenic.

Women's Health and Genetics/Laboratory Corporation of America, LabCorp
Classification: Pathogenic for Deficiency of UDPglucose-hexose-1-phosphate uridylyltransferase. Last evaluated: 2025-03-05. Review status: criteria provided, single submitter. Criteria: LabCorp Variant Classification Summary - May 2015. Collection method: clinical testing. Allele origin: germline.
Comment: Variant summary: GALT c.442C>T (p.Arg148Trp) results in a non-conservative amino acid change in the encoded protein sequence. Three of three in-silico tools predict a damaging effect of the variant on protein function. The variant allele was found at a frequency of 2.8e-05 in 251494 control chromosomes. c.442C>T has been reported in the literature in individuals affected with Galactosemia (Berry_2000, Bosch_2005, Reichardt_1992, Schadewaldt_2014). These data indicate that the variant is likely to be associated with disease. A different variant affecting the same codon has been classified as pathogenic by our lab (c.443G>A, p.Arg148Gln), supporting the critical relevance of codon 148 to GALT protein function. At least two publications report experimental evidence evaluating an impact on protein function. The most pronounced variant effect results in <10% of normal activity (Reichardt_1992, Schadewaldt_2014). The following publications have been ascertained in the context of this evaluation (PMID: 15841485, 1373122, 10960497, 25268296). ClinVar contains an entry for this variant (Variation ID: 37359). Based on the evidence outlined above, the variant was classified as pathogenic.

Labcorp Genetics (formerly Invitae), Labcorp
Classification: Pathogenic for Deficiency of UDPglucose-hexose-1-phosphate uridylyltransferase. Last evaluated: 2024-12-24. Review status: criteria provided, single submitter. Criteria: Invitae Variant Classification Sherloc (09022015). Collection method: clinical testing. Allele origin: germline.
Comment: This sequence change replaces arginine, which is basic and polar, with tryptophan, which is neutral and slightly polar, at codon 148 of the GALT protein (p.Arg148Trp). This variant is present in population databases (rs111033693, gnomAD 0.02%). This missense change has been observed in individual(s) with galactosemia (PMID: 1373122, 14518827, 22944367). In at least one individual the data is consistent with being in trans (on the opposite chromosome) from a pathogenic variant. ClinVar contains an entry for this variant (Variation ID: 37359). Invitae Evidence Modeling of protein sequence and biophysical properties (such as structural, functional, and spatial information, amino acid conservation, physicochemical variation, residue mobility, and thermodynamic stability) indicates that this missense variant is expected to disrupt GALT protein function with a positive predictive value of 95%. Experimental studies have shown that this missense change affects GALT function (PMID: 1373122). Algorithms developed to predict the effect of sequence changes on RNA splicing suggest that this variant may disrupt the consensus splice site. This variant disrupts the p.Arg148 amino acid residue in GALT. Other variant(s) that disrupt this residue have been determined to be pathogenic (PMID: 15986423, 17221873, 23151865, 25936995). This suggests that this residue is clinically significant, and that variants that disrupt this residue are likely to be disease-causing. For these reasons, this variant has been classified as Pathogenic.

Fulgent Genetics
Classification: Pathogenic for Deficiency of UDPglucose-hexose-1-phosphate uridylyltransferase. Last evaluated: 2024-06-10. Review status: criteria provided, single submitter. Criteria: ACMG Guidelines, 2015. Collection method: clinical testing. Allele origin: germline.

Mayo Clinic Laboratories, Mayo Clinic
Classification: Pathogenic. Last evaluated: 2024-05-24. Review status: criteria provided, single submitter. Criteria: ACMG Guidelines, 2015. Collection method: clinical testing. Allele origin: germline. Observed: 5 variant alleles.
Comment: PP3, PP4, PM2_moderate, PM5, PS3, PS4_moderate

Baylor Genetics
Classification: Pathogenic for Deficiency of UDPglucose-hexose-1-phosphate uridylyltransferase. Last evaluated: 2024-03-23. Review status: criteria provided, single submitter. Criteria: ACMG Guidelines, 2015. Collection method: clinical testing. Allele origin: unknown.

Neuberg Centre For Genomic Medicine, NCGM
Classification: Pathogenic for Deficiency of UDPglucose-hexose-1-phosphate uridylyltransferase. Last evaluated: 2023-07-22. Review status: criteria provided, single submitter. Criteria: ACMG Guidelines, 2015. Collection method: clinical testing. Allele origin: germline. Inheritance: Autosomal recessive inheritance. Affected: yes.
Comment: The missense variant c.442C>Tp.Arg148Trp in the GALT gene which is located in a mutational hot spot has been reported in compound heterozygous state in individuals affected with galactosemia, found in trans with another GALT pathogenic variant Yuzyuk et al., 2018; Boutron et al., 2012. Functional characterization indicates that the variant protein is unstable, resulting in a decrease in steady-state levels and overall GALT activity Reichardt et al., 1992. Different amino acid change affecting codon 148 p.Arg148Gln is reported as a known pathogenic variant. This variant is reported with the allele frequency 0.002% in the gnomAD Exomes. This variant has been reported to the ClinVar database as Pathogenic by multiple submitters. Multiple lines of computational evidence Polyphen - Damaging, SIFT - Damaging and MutationTaster - Disease causing predict a damaging effect on protein structure and function for this variant. The amino acid change p.Arg148Trp in GALT is predicted as conserved by GERP++ and PhyloP across 100 vertebrates. For these reasons, this variant has been classified as Pathogenic.

Blueprint Genetics
Classification: Pathogenic for GALT-related disorders. Last evaluated: 2023-06-13. Review status: criteria provided, single submitter. Criteria: ACMG Guidelines, 2015. Collection method: clinical testing. Allele origin: germline. Affected: yes. Observed: 5 variant alleles.

ARUP Laboratories, Molecular Genetics and Genomics, ARUP Laboratories
Classification: Pathogenic for Deficiency of UDPglucose-hexose-1-phosphate uridylyltransferase. Last evaluated: 2018-11-05. Review status: criteria provided, single submitter. Criteria: ARUP Molecular Germline Variant Investigation Process. Collection method: clinical testing. Allele origin: germline.
Comment: The GALT c.442C>T; p.Arg148Trp variant (rs111033693) has been reported in individuals diagnosed with galactosemia, found in-trans with another GALT pathogenic variant (Boutron 2012, Reichardt 1992). Functional characterization indicates that the variant protein is unstable, resulting in a decrease in steady state levels and overall GALT activity (Reichardt 1992). Other missense variants at this position (p.Arg148Gly and p.Arg148Gln) have also been implicated in galactosemia (Facchiano 2010). The p.Arg148Trp variant is listed as pathogenic in ClinVar (Variation ID: 37359), and observed 8 times in the Genome Aggregation Database general population database (8/282890 alleles). The arginine at residue 148 is moderately conserved, and computational algorithms (PolyPhen-2, SIFT) predict that the variant is deleterious. Based on available information, the variant is classified as pathogenic. References: Boutron A et al. Mutation spectrum in the French cohort of galactosemic patients and structural simulation of 27 novel missense variations. Mol Genet Metab. 2012; 107(3):438-47. Facchiano A et al. Analysis of galactosemia-linked mutations of GALT enzyme using a computational biology approach. Protein Eng Des Sel. 2010; 23(2):103-13. Reichardt J et al. Characterization of two missense mutations in human galactose-1-phosphate uridyltransferase: different molecular mechanisms for galactosemia. Genomics. 1992; 12(3):596-600.

Eurofins Ntd Llc (ga)
Classification: Pathogenic. Last evaluated: 2018-05-16. Review status: criteria provided, single submitter. Criteria: EGL ClinVar v180209 classification definitions. Collection method: clinical testing. Allele origin: germline. Observed: 4 variant alleles, 4 heterozygotes.

Literature cited by the submitters: PubMed 25268296 (cited by Natera, Inc. and Women's Health and Genetics/Laboratory Corporation of America, LabCorp); PubMed 22944367 (cited by 3 submitters); PubMed 1373122 (cited by 4 submitters); PubMed 14518827 (cited by Ambry Genetics and Labcorp Genetics (formerly Invitae), Labcorp); PubMed 38469090 (cited by Ambry Genetics); PubMed 15841485 (cited by Women's Health and Genetics/Laboratory Corporation of America, LabCorp); PubMed 10960497 (cited by Women's Health and Genetics/Laboratory Corporation of America, LabCorp); PubMed 15986423 (cited by Labcorp Genetics (formerly Invitae), Labcorp); PubMed 17221873 (cited by Labcorp Genetics (formerly Invitae), Labcorp); PubMed 23151865 (cited by Labcorp Genetics (formerly Invitae), Labcorp); PubMed 25936995 (cited by Labcorp Genetics (formerly Invitae), Labcorp).

NM_000155.4(GALT):c.442C>T (p.Arg148Trp)

Gene: GALT (galactose-1-phosphate uridylyltransferase; plus strand). Cytogenetic location: 9p13.3.
Variant type: single nucleotide variant.
Coding change: c.442C>T on transcript NM_000155.4 (MANE Select); coding-DNA position 442, C replaced by T.
Protein change: p.Arg148Trp; replaces arginine 148 with tryptophan.
Molecular consequence: missense variant.
Genome position (GRCh38, 1-based): chr9:34,647,896, C>T. VCF-style: chr9-34647896-C-T. GRCh37 (hg19) VCF-style: chr9-34647893-C-T.
Other names: c.115C>T, p.Arg39Trp (NM_001258332.2); short protein forms R148W, R39W.
Identifiers: ClinVar variation 37359 (VCV000037359.39), dbSNP rs111033693, ClinGen allele CA259393.